The following is an entry in ClinVar:

NM_000135.4(FANCA):c.2692C>T (p.Leu898Phe)

Genes: FANCA (FA complementation group A; minus strand), LOC130059837 (ATAC-STARR-seq lymphoblastoid active region 11420; plus strand). Cytogenetic location: 16q24.3.
Variant type: single nucleotide variant.
Coding change: c.2692C>T on transcript NM_000135.4 (MANE Select); coding-DNA position 2692, C replaced by T.
Protein change: p.Leu898Phe; replaces leucine 898 with phenylalanine.
Molecular consequence: missense variant.
Genome position (GRCh38, 1-based): chr16:89,764,976, G>A on the plus strand (C>T on the coding strand, the complement: FANCA is on the minus strand). VCF-style: chr16-89764976-G-A. GRCh37 (hg19) VCF-style: chr16-89831384-G-A.
Other names: c.2692C>T, p.Leu898Phe (NM_001286167.3); short protein forms L898F.
Identifiers: ClinVar variation 3848247 (VCV003848247.1).

ClinVar aggregate classification (germline): Uncertain significance (1 of 4 stars; one submission).

Conditions:
Inborn genetic diseases. Identifiers: MedGen C0950123, MeSH D030342.

gnomAD v4.1: 1 of 1,614,244 alleles (0.000062%); highest among the groups gnomAD compares: South Asian, 0.0011%; no homozygotes.

Submission:

Ambry Genetics
Classification: Uncertain significance for Inborn genetic diseases. Last evaluated: 2025-02-16. Review status: criteria provided, single submitter. Criteria: Ambry Variant Classification Scheme 2023. Collection method: clinical testing. Allele origin: germline.
Comment: The p.L898F variant (also known as c.2692C>T), located in coding exon 28 of the FANCA gene, results from a C to T substitution at nucleotide position 2692. The leucine at codon 898 is replaced by phenylalanine, an amino acid with highly similar properties. This amino acid position is conserved. In addition, this alteration is predicted to be tolerated by in silico analysis. Based on the available evidence, the clinical significance of this variant remains unclear.